The following is an entry in ClinVar:

ClinVar aggregate classification (germline): Likely pathogenic (1 of 4 stars; one submission).

Conditions:
Gorlin syndrome. Also called: Nevoid Basal Cell Carcinoma Syndrome; Basal cell nevus syndrome. Identifiers: Orphanet 377, MedGen C0004779, MONDO:0007187.

Allele frequency attached by ClinVar (database versions not stated): TOPMed below 0.00001.

Submission:

MGZ Medical Genetics Center
Classification: Likely pathogenic for Basal cell nevus syndrome 1. Last evaluated: 2022-04-01. Review status: criteria provided, single submitter. Criteria: ACMG Guidelines, 2015. Collection method: clinical testing. Allele origin: germline. Affected: yes. Observed: 1 variant allele.
Comment: ACMG criteria applied: PVS1, PM2_SUP

NM_001083603.3(PTCH1):c.70_76del (p.Gly24fs)

Gene: PTCH1 (patched 1; minus strand). Cytogenetic location: 9q22.32.
Variant type: Deletion.
Coding change: c.70_76del on transcript NM_001083603.3 (MANE Plus Clinical); coding-DNA positions 70 to 76, 7 bases deleted (GGCCCAG; older notation c.70_76delGGCCCAG).
Protein change: p.Gly24fs; shifts the reading frame from glycine 24.
Molecular consequence: frameshift variant. On other transcripts: 5 prime UTR variant (2).
Genome position (GRCh38, 1-based): chr9:95,516,745-95,516,751, CTGGGCC deleted on the plus strand (GGCCCAG on the coding strand, the reverse complement: PTCH1 is on the minus strand). VCF-style (leftmost placement, unchanged base first): chr9-95516744-GCTGGGCC-G. GRCh37 (hg19) VCF-style: chr9-98279026-GCTGGGCC-G.
Other names: c.-280_-274del (NM_001083602.3, NM_001354919.2); short protein forms G24fs.
Identifiers: ClinVar variation 1709158 (VCV001709158.2), dbSNP rs1844385255, ClinGen allele CA1865626062.